The following is an entry in ClinVar:

ClinVar aggregate classification (germline): Benign/Likely benign. Review status: criteria provided, multiple submitters, no conflicts (2 of 4 stars). 6 submissions from 6 submitters: Benign (1); Likely benign (5). Last evaluated 2026-01-14.

Conditions:
Hereditary cancer-predisposing syndrome. Also called: Neoplastic Syndromes, Hereditary; Tumor predisposition; Hereditary neoplastic syndrome; Hereditary Cancer Syndrome. Identifiers: Orphanet 140162, MedGen C0027672, MeSH D009386, MONDO:0015356.
Multiple endocrine neoplasia, type 1 (MEN1). Also called: MEN I; WERMER SYNDROME; Endocrine adenomatosis multiple; MEN 1; MEA I. Identifiers: Orphanet 652, MedGen C0025267, MeSH D018761, MONDO:0007540, OMIM 131100.

Allele frequency attached by ClinVar (database versions not stated): ExAC 0.00001; gnomAD exomes 0.00002; TOPMed 0.00003; gnomAD 0.00004; ESP Exome Variant Server 0.00008.
gnomAD v4.1: 35 of 1,614,114 alleles (0.0022%); highest among the groups gnomAD compares: African/African-American, 0.004%; no homozygotes.

Submissions (6):

Labcorp Genetics (formerly Invitae), Labcorp
Classification: Likely benign for Multiple endocrine neoplasia, type 1. Last evaluated: 2026-01-14. Review status: criteria provided, single submitter. Criteria: Invitae Variant Classification Sherloc (09022015). Collection method: clinical testing. Allele origin: germline.

Women's Health and Genetics/Laboratory Corporation of America, LabCorp
Classification: Likely benign. Last evaluated: 2025-05-31. Review status: criteria provided, single submitter. Criteria: LabCorp Variant Classification Summary - May 2015. Collection method: clinical testing. Allele origin: germline.

Myriad Genetics, Inc.
Classification: Benign for Multiple endocrine neoplasia, type 1. Last evaluated: 2024-11-01. Review status: criteria provided, single submitter. Criteria: Myriad Autosomal Dominant, Autosomal Recessive and X-Linked Classification Criteria (2023). Collection method: clinical testing. Allele origin: unknown.
Comment: This variant is considered benign. This variant is a silent/synonymous amino acid change and it is not expected to impact splicing.

Color Diagnostics, LLC DBA Color Health
Classification: Likely benign for Multiple endocrine neoplasia, type 1. Last evaluated: 2022-11-06. Review status: criteria provided, single submitter. Criteria: ACMG Guidelines, 2015. Collection method: clinical testing. Allele origin: germline.

Ambry Genetics
Classification: Likely benign for Hereditary cancer-predisposing syndrome. Last evaluated: 2014-10-06. Review status: criteria provided, single submitter. Criteria: Ambry Variant Classification Scheme 2023. Collection method: clinical testing. Allele origin: germline.

PreventionGenetics, part of Exact Sciences
Classification: Likely benign. Review status: criteria provided, single submitter. Criteria: ACMG Guidelines, 2015. Collection method: clinical testing. Allele origin: germline.

NM_001370259.2(MEN1):c.531G>A (p.Leu177=)

Gene: MEN1 (menin 1; minus strand). Cytogenetic location: 11q13.1.
Variant type: single nucleotide variant.
Coding change: c.531G>A on transcript NM_001370259.2 (MANE Select); coding-DNA position 531, G replaced by A.
Protein change: p.Leu177=; no amino-acid change (leucine 177 retained).
Molecular consequence: synonymous variant.
Genome position (GRCh38, 1-based): chr11:64,808,014, C>T on the plus strand (G>A on the coding strand, the complement: MEN1 is on the minus strand). VCF-style: chr11-64808014-C-T. GRCh37 (hg19) VCF-style: chr11-64575486-C-T.
Other names: c.531G>A, p.Leu177= (NM_001370262.2, NM_001370263.2, NM_130799.3 and 3 more transcripts); c.546G>A, p.Leu182= (NM_130800.3, NM_130801.3, NM_130802.3 and 3 more transcripts).
Identifiers: ClinVar variation 241816 (VCV000241816.18), dbSNP rs146568011, ClinGen allele CA061284.
Genomic context (GRCh38, chr11:64,808,014, plus strand): 5'-GGTGACCTCAGCTGTCTGCTCCCCATTGGGCCCAAACACTACCCAGGCATGATCCTCAGA[C>T]AGGGCGAGGTGGACATCCCGGAGACCCAGGGCCTGGCAGGCCCCAACCACAGCAAAGGCC-3'
Protein context (NP_001357188.2, residues 167-187): ALGLRDVHLA[Leu177=]SEDHAWVVFG